The following is an entry in ClinVar:

ClinVar aggregate classification (germline): Pathogenic (1 of 4 stars; one submission).

Conditions:
Osteogenesis imperfecta type I (OI1). Also called: Lobstein's Disease; Lobstein disease; Classic Non-deforming Osteogenesis Imperfecta with Blue Sclerae; OI, TYPE I; OSTEOGENESIS IMPERFECTA TARDA; OSTEOGENESIS IMPERFECTA WITH BLUE SCLERAE. Identifiers: Orphanet 216796, Orphanet 666, MedGen C0023931, MONDO:0008146, OMIM 166200. Disease mechanism: loss of function.

Submission:

Labcorp Genetics (formerly Invitae), Labcorp
Classification: Pathogenic for Osteogenesis imperfecta type I. Last evaluated: 2023-04-03. Review status: criteria provided, single submitter. Criteria: Invitae Variant Classification Sherloc (09022015). Collection method: clinical testing. Allele origin: germline.
Comment: This variant has not been reported in the literature in individuals affected with COL1A1-related conditions. For these reasons, this variant has been classified as Pathogenic. This variant is not present in population databases (gnomAD no frequency). This sequence change creates a premature translational stop signal (p.Pro1059Leufs*49) in the COL1A1 gene. It is expected to result in an absent or disrupted protein product. Loss-of-function variants in COL1A1 are known to be pathogenic (PMID: 7942841, 9295084, 9443882).

Literature cited by the submitters: PubMed 7942841; PubMed 9295084; PubMed 9443882.

NM_000088.4(COL1A1):c.3176del (p.Pro1059fs)

Gene: COL1A1 (collagen type I alpha 1 chain; minus strand). Cytogenetic location: 17q21.33.
Variant type: Deletion.
Coding change: c.3176del on transcript NM_000088.4 (MANE Select); coding-DNA position 3176, one base deleted (C; older notation c.3176delC).
Protein change: p.Pro1059fs; shifts the reading frame from proline 1059.
Molecular consequence: frameshift variant.
Genome position (GRCh38, 1-based): chr17:50,188,561, G deleted on the plus strand (C on the coding strand, the reverse complement: COL1A1 is on the minus strand); the first of 3 consecutive G bases (chr17:50,188,561-50,188,563); deleting any one gives the same sequence. VCF-style (leftmost placement, unchanged base first): chr17-50188560-AG-A. GRCh37 (hg19) VCF-style: chr17-48265921-AG-A.
Other names: short protein forms P1059fs.
Identifiers: ClinVar variation 2845782 (VCV002845782.3), dbSNP rs2509177148, ClinGen allele CA2739268231.